The following is an entry in ClinVar:

ClinVar aggregate classification (germline): Uncertain significance (0 of 4 stars; one submission).

Conditions:
GNAS-related disorder. Identifiers: MedGen CN380105.

gnomAD v4.1: 1 of 1,256,654 alleles (0.00008%); highest among the groups gnomAD compares: Non-Finnish European, 0.0001%; no homozygotes.

Submission:

PreventionGenetics, part of Exact Sciences
Classification: Uncertain significance for GNAS-related condition. Last evaluated: 2024-03-29. Review status: no assertion criteria provided. Collection method: clinical testing. Allele origin: germline.
Comment: The GNAS c.28G>A variant is predicted to result in the amino acid substitution p.Glu10Lys. To our knowledge, this variant has not been reported in the literature or in a large population database, indicating this variant is rare. At this time, the clinical significance of this variant is uncertain due to the absence of conclusive functional and genetic evidence.

NM_000516.7(GNAS):c.28G>A (p.Glu10Lys)

Gene: GNAS (GNAS complex locus; plus strand). Cytogenetic location: 20q13.32.
Variant type: single nucleotide variant.
Coding change: c.28G>A on transcript NM_000516.7 (MANE Select); coding-DNA position 28, G replaced by A.
Protein change: p.Glu10Lys; replaces glutamic acid 10 with lysine.
Molecular consequence: missense variant. On other transcripts: intron variant (8).
Genome position (GRCh38, 1-based): chr20:58,891,754, G>A. VCF-style: chr20-58891754-G-A. GRCh37 (hg19) VCF-style: chr20-57466809-G-A.
Other names: c.28G>A, p.Glu10Lys (NM_001077488.5, NM_001077489.4, NM_001309842.2 and 1 more transcripts); c.*43-3858G>A (NM_016592.5); c.44-3858G>A (NM_001410912.1); c.-38-3858G>A (NM_001309861.2); c.*1-3858G>A (NM_001077490.3); c.2069-3858G>A (NM_080425.4, NM_001410913.1); c.*159-3858G>A (NM_001309883.1); c.-39+2401G>A (NM_001309840.2); short protein forms E10K.
Identifiers: ClinVar variation 3351663 (VCV003351663.1).